The following is an entry in ClinVar:

ClinVar aggregate classification (germline): Uncertain significance. Review status: criteria provided, multiple submitters, no conflicts (2 of 4 stars). 2 submissions from 2 submitters: Uncertain significance (2). Last evaluated 2025-08-30.

Conditions:
Hereditary cancer-predisposing syndrome. Also called: Neoplastic Syndromes, Hereditary; Tumor predisposition; Hereditary Cancer Syndrome; Hereditary neoplastic syndrome. Identifiers: Orphanet 140162, MedGen C0027672, MeSH D009386, MONDO:0015356.
Familial adenomatous polyposis 1 (FAP1). Also called: FAMILIAL ADENOMATOUS POLYPOSIS 1, ATTENUATED; POLYPOSIS, ADENOMATOUS INTESTINAL. Identifiers: MedGen C2713442, MONDO:0021056, OMIM 175100. Disease mechanism: loss of function.

Submissions (2):

Labcorp Genetics (formerly Invitae), Labcorp
Classification: Uncertain significance for Familial adenomatous polyposis 1. Last evaluated: 2025-08-30. Review status: criteria provided, single submitter. Criteria: Invitae Variant Classification Sherloc (09022015). Collection method: clinical testing. Allele origin: germline.
Comment: This sequence change replaces valine, which is neutral and non-polar, with alanine, which is neutral and non-polar, at codon 609 of the APC protein (p.Val609Ala). This variant is not present in population databases (gnomAD no frequency). This variant has not been reported in the literature in individuals affected with APC-related conditions. ClinVar contains an entry for this variant (Variation ID: 1780857). Invitae Evidence Modeling of protein sequence and biophysical properties (such as structural, functional, and spatial information, amino acid conservation, physicochemical variation, residue mobility, and thermodynamic stability) indicates that this missense variant is not expected to disrupt APC protein function with a negative predictive value of 95%. In summary, the available evidence is currently insufficient to determine the role of this variant in disease. Therefore, it has been classified as a Variant of Uncertain Significance.

Ambry Genetics
Classification: Uncertain significance for Hereditary cancer-predisposing syndrome. Last evaluated: 2020-02-06. Review status: criteria provided, single submitter. Criteria: Ambry Variant Classification Scheme 2023. Collection method: clinical testing. Allele origin: germline.
Comment: The p.V609A variant (also known as c.1826T>C), located in coding exon 14 of the APC gene, results from a T to C substitution at nucleotide position 1826. The valine at codon 609 is replaced by alanine, an amino acid with similar properties. This amino acid position is highly conserved in available vertebrate species. In addition, in silico predictors for this gene do not accurately predict pathogenicity. Since supporting evidence is limited at this time, the clinical significance of this alteration remains unclear.

NM_000038.6(APC):c.1826T>C (p.Val609Ala)

Gene: APC (APC regulator of Wnt signaling pathway; plus strand). Cytogenetic location: 5q22.2.
Variant type: single nucleotide variant.
Coding change: c.1826T>C on transcript NM_000038.6 (MANE Select); coding-DNA position 1826, T replaced by C.
Protein change: p.Val609Ala; replaces valine 609 with alanine.
Molecular consequence: missense variant.
Genome position (GRCh38, 1-based): chr5:112,835,033, T>C. VCF-style: chr5-112835033-T-C. GRCh37 (hg19) VCF-style: chr5-112170730-T-C.
Other names: c.1826T>C, p.Val609Ala (NM_001127510.3, NM_001354895.2, NM_001407450.1); c.1772T>C, p.Val591Ala (NM_001127511.3); c.1880T>C, p.Val627Ala (NM_001354896.2, NM_001407447.1, NM_001407448.1 and 1 more transcripts); c.1856T>C, p.Val619Ala (NM_001354897.2); c.1751T>C, p.Val584Ala (NM_001354898.2); c.1742T>C, p.Val581Ala (NM_001354899.2); c.1703T>C, p.Val568Ala (NM_001354900.2); c.1649T>C, p.Val550Ala (NM_001354901.2, NM_001407453.1); and 11 more; short protein forms V518A, V550A, V584A, V599A, V449A, V483A, V568A, V627A.
Identifiers: ClinVar variation 1780857 (VCV001780857.3), dbSNP rs2149842108, ClinGen allele CA16025318.